The following is an entry in ClinVar:

ClinVar aggregate classification (germline): Conflicting classifications of pathogenicity. Review status: criteria provided, conflicting classifications (1 of 4 stars). 4 submissions from 4 submitters: Likely pathogenic (1); Uncertain significance (2). 1 of the submissions does not count toward it. Last evaluated 2026-01-16.

Conditions:
Charcot-Marie-Tooth disease, axonal, autosomal recessive, type 2a2b;. Also called: Charcot-Marie-Tooth disease, axonal, autosomal recessive, type 2A2B; Charcot-Marie-Tooth disease, axonal, type 2A2B. Identifiers: MedGen C4310725, MONDO:0014906, OMIM 617087.
Charcot-Marie-Tooth disease type 2. Also called: Charcot-Marie-Tooth type 2. Identifiers: Orphanet 64746, MedGen C0270914, MONDO:0018993.

Allele frequency attached by ClinVar (database versions not stated): gnomAD 0.00001.
gnomAD v4.1: 2 of 1,614,072 alleles (0.00012%); highest among the groups gnomAD compares: African/African-American, 0.0013%; no homozygotes.

Submissions (4):

Kasturba Medical College, Manipal, Kasturba Medical College, Manipal, Manipal Academy of Higher Education, Manipal, India
Classification: Likely pathogenic for Charcot-Marie-Tooth disease, axonal, autosomal recessive, type 2a2b;. Last evaluated: 2026-01-16. Review status: criteria provided, single submitter. Criteria: ACMG Guidelines, 2015. Collection method: research. Allele origin: unknown. Inheritance: Autosomal recessive inheritance. Affected: yes. Observed: 1 variant allele, 1 homozygote.
Comment: Parent samples were not available for segregation analysis. The variant is present in two individuals in heterozygous state and absent from individuals in homozygous state in the population database gnomAD (v.4.1.0). The variant is absent in heterozygous and/or homozygous state in our in-house database of 4019 exomes. In-silico analysis tool (CADD_phred, MutationTaster) are consistent in predicting the variant to be damaging to the MFN2 protein structure and function. Another prediction tool, SpliceAI predicts the variant to cause aberrant splicing, which may lead to either the formation of a truncated protein product or the transcript to undergo nonsense-mediated mRNA decay.

GeneDx
Classification: Uncertain significance. Last evaluated: 2024-11-25. Review status: criteria provided, single submitter. Criteria: GeneDx Variant Classification Process June 2021. Collection method: clinical testing. Allele origin: germline.
Comment: Not observed at significant frequency in large population cohorts (gnomAD); In silico analysis indicates that this missense variant does not alter protein structure/function; In silico analysis suggests this variant may impact gene splicing. In the absence of RNA/functional studies, the actual effect of this sequence change is unknown.; This variant is associated with the following publications: (PMID: 32618126, 32709422, 24863639, 29858556)

Labcorp Genetics (formerly Invitae), Labcorp
Classification: Uncertain significance for Charcot-Marie-Tooth disease type 2. Last evaluated: 2024-02-23. Review status: criteria provided, single submitter. Criteria: Invitae Variant Classification Sherloc (09022015). Collection method: clinical testing. Allele origin: germline.
Comment: This sequence change replaces arginine, which is basic and polar, with glutamine, which is neutral and polar, at codon 135 of the MFN2 protein (p.Arg135Gln). This variant is present in population databases (no rsID available, gnomAD 0.01%). This missense change has been observed in individuals with autosomal recessive Charcot-Marie-Tooth disease (PMID: 29858556; Invitae). ClinVar contains an entry for this variant (Variation ID: 549683). Advanced modeling of protein sequence and biophysical properties (such as structural, functional, and spatial information, amino acid conservation, physicochemical variation, residue mobility, and thermodynamic stability) performed at Invitae indicates that this missense variant is not expected to disrupt MFN2 protein function with a negative predictive value of 95%. Algorithms developed to predict the effect of sequence changes on RNA splicing suggest that this variant may create or strengthen a splice site. In summary, the available evidence is currently insufficient to determine the role of this variant in disease. Therefore, it has been classified as a Variant of Uncertain Significance.

Institute of Human Genetics, Cologne University
Classification: Likely pathogenic for Charcot-Marie-Tooth disease, axonal, autosomal recessive, type 2a2b;. Last evaluated: 2018-04-25. Review status: no assertion criteria provided. Collection method: clinical testing. Allele origin: germline. Affected: yes. Not counted in ClinVar's aggregate classification.

Literature cited by the submitters: PubMed 29858556 (cited by Kasturba Medical College, Manipal, Kasturba Medical College, Manipal, Manipal Academy of Higher Education, Manipal, India and Labcorp Genetics (formerly Invitae), Labcorp).

NM_014874.4(MFN2):c.404G>A (p.Arg135Gln)

Gene: MFN2 (mitofusin 2; plus strand). Cytogenetic location: 1p36.22.
Variant type: single nucleotide variant.
Coding change: c.404G>A on transcript NM_014874.4 (MANE Select); coding-DNA position 404, G replaced by A.
Protein change: p.Arg135Gln; replaces arginine 135 with glutamine.
Molecular consequence: missense variant.
Genome position (GRCh38, 1-based): chr1:11,996,248, G>A. VCF-style: chr1-11996248-G-A. GRCh37 (hg19) VCF-style: chr1-12056305-G-A.
Other names: c.404G>A, p.Arg135Gln (NM_001127660.2); short protein forms R135Q.
Identifiers: ClinVar variation 549683 (VCV000549683.9), dbSNP rs1443036026, ClinGen allele CA338434743.